The following is an entry in ClinVar:

ClinVar aggregate classification (germline): Uncertain significance. Review status: criteria provided, multiple submitters, no conflicts (2 of 4 stars). 5 submissions from 5 submitters: Uncertain significance (4). 1 of the submissions does not count toward it. Last evaluated 2025-11-10.

Conditions:
Hereditary cancer-predisposing syndrome. Also called: Hereditary Cancer Syndrome; Neoplastic Syndromes, Hereditary; Tumor predisposition; Hereditary neoplastic syndrome. Identifiers: Orphanet 140162, MedGen C0027672, MeSH D009386, MONDO:0015356.
Ataxia-telangiectasia syndrome (AT). Also called: Ataxia telangiectasia (A-T); Ataxia-telangiectasia, complementation group E; LOUIS-BAR SYNDROME; Cerebello-oculocutaneous telangiectasia; Immunodeficiency with ataxia telangiectasia; Ataxia-telangiectasia, complementation group D. Identifiers: Orphanet 100, MedGen C0004135, MONDO:0008840, OMIM 208900.

Allele frequency attached by ClinVar (database versions not stated): gnomAD 0.00001; TOPMed 0.00001; ExAC 0.00002.
gnomAD v4.1: 7 of 1,612,746 alleles (0.00043%); highest among the groups gnomAD compares: Admixed American, 0.0084%; no homozygotes.

Submissions (5):

Labcorp Genetics (formerly Invitae), Labcorp
Classification: Uncertain significance for Ataxia-telangiectasia syndrome. Last evaluated: 2025-11-10. Review status: criteria provided, single submitter. Criteria: Invitae Variant Classification Sherloc (09022015). Collection method: clinical testing. Allele origin: germline.
Comment: This sequence change replaces serine, which is neutral and polar, with phenylalanine, which is neutral and non-polar, at codon 440 of the ATM protein (p.Ser440Phe). This variant is present in population databases (rs773895161, gnomAD 0.01%). This variant has not been reported in the literature in individuals affected with ATM-related conditions. ClinVar contains an entry for this variant (Variation ID: 230690). Invitae Evidence Modeling of protein sequence and biophysical properties (such as structural, functional, and spatial information, amino acid conservation, physicochemical variation, residue mobility, and thermodynamic stability) indicates that this missense variant is not expected to disrupt ATM protein function with a negative predictive value of 95%. In summary, the available evidence is currently insufficient to determine the role of this variant in disease. Therefore, it has been classified as a Variant of Uncertain Significance.

Ambry Genetics
Classification: Uncertain significance for Hereditary cancer-predisposing syndrome. Last evaluated: 2025-09-17. Review status: criteria provided, single submitter. Criteria: Ambry Variant Classification Scheme 2023. Collection method: clinical testing. Allele origin: germline.
Comment: The p.S440F variant (also known as c.1319C>T), located in coding exon 9 of the ATM gene, results from a C to T substitution at nucleotide position 1319. The serine at codon 440 is replaced by phenylalanine, an amino acid with highly dissimilar properties. This amino acid position is poorly conserved in available vertebrate species. In addition, this alteration is predicted to be tolerated by in silico analysis. Since supporting evidence is limited at this time, the clinical significance of this alteration remains unclear.

GeneDx
Classification: Uncertain significance. Last evaluated: 2020-03-11. Review status: criteria provided, single submitter. Criteria: GeneDx Variant Classification Process June 2021. Collection method: clinical testing. Allele origin: germline. Affected: yes.
Comment: In silico analysis supports that this missense variant does not alter protein structure/function; Has not been previously published as pathogenic or benign to our knowledge

Color Diagnostics, LLC DBA Color Health
Classification: Uncertain significance for Hereditary cancer-predisposing syndrome. Last evaluated: 2018-09-11. Review status: criteria provided, single submitter. Criteria: ACMG Guidelines, 2015. Collection method: clinical testing. Allele origin: germline.

Natera, Inc.
Classification: Uncertain significance for Ataxia-telangiectasia. Last evaluated: 2021-06-07. Review status: no assertion criteria provided. Collection method: clinical testing. Allele origin: germline. Not counted in ClinVar's aggregate classification.

NM_000051.4(ATM):c.1319C>T (p.Ser440Phe)

Gene: ATM (ATM serine/threonine kinase; plus strand). Cytogenetic location: 11q22.3.
Variant type: single nucleotide variant.
Coding change: c.1319C>T on transcript NM_000051.4 (MANE Select); coding-DNA position 1319, C replaced by T.
Protein change: p.Ser440Phe; replaces serine 440 with phenylalanine.
Molecular consequence: missense variant.
Genome position (GRCh38, 1-based): chr11:108,250,784, C>T. VCF-style: chr11-108250784-C-T. GRCh37 (hg19) VCF-style: chr11-108121511-C-T.
Other names: c.1319C>T, p.Ser440Phe (NM_001351834.2); short protein forms S440F.
Identifiers: ClinVar variation 230690 (VCV000230690.23), dbSNP rs773895161, ClinGen allele CA6264799.
Genomic context (GRCh38, chr11:108,250,784, plus strand): 5'-TATCAAAGTATCCTGCAAGTTTACCTAACTGTGAGCTGTCTCCATTACTGATGATACTAT[C>T]TCAGCTTCTACCCCAACAGCGACATGGGGAACGTACACCATATGTGTTACGATGCCTTAC-3'
Protein context (NP_000042.3, residues 430-450): CELSPLLMIL[Ser440Phe]QLLPQQRHGE